The following is an entry in ClinVar:

ClinVar aggregate classification (germline): Uncertain significance (1 of 4 stars; one submission).

Conditions:
Brown-Vialetto-van Laere syndrome 2. Also called: Riboflavin transporter deficiency type 2; SPINOCEREBELLAR ATAXIA WITH BLINDNESS AND DEAFNESS 2. Identifiers: Orphanet 572543, Orphanet 97229, MedGen C3553538, MONDO:0013867, OMIM 614707.

Allele frequency attached by ClinVar (database versions not stated): gnomAD exomes 0.00001 and below 0.00001; ExAC 0.00001.
gnomAD v4.1: 7 of 1,612,750 alleles (0.00043%); highest among the groups gnomAD compares: South Asian, 0.0033%; no homozygotes.

Submission:

Labcorp Genetics (formerly Invitae), Labcorp
Classification: Uncertain significance for Brown-Vialetto-van Laere syndrome 2. Last evaluated: 2021-09-01. Review status: criteria provided, single submitter. Criteria: Invitae Variant Classification Sherloc (09022015). Collection method: clinical testing. Allele origin: germline.
Comment: This sequence change replaces asparagine with serine at codon 178 of the SLC52A2 protein (p.Asn178Ser). The asparagine residue is highly conserved and there is a small physicochemical difference between asparagine and serine. This variant is present in population databases (rs782368351, ExAC 0.002%). This variant has not been reported in the literature in individuals affected with SLC52A2-related conditions. Advanced modeling of protein sequence and biophysical properties (such as structural, functional, and spatial information, amino acid conservation, physicochemical variation, residue mobility, and thermodynamic stability) performed at Invitae indicates that this missense variant is not expected to disrupt SLC52A2 protein function. In summary, the available evidence is currently insufficient to determine the role of this variant in disease. Therefore, it has been classified as a Variant of Uncertain Significance.

NM_001363118.2(SLC52A2):c.533A>G (p.Asn178Ser)

Gene: SLC52A2 (solute carrier family 52 member 2; plus strand). Cytogenetic location: 8q24.3.
Variant type: single nucleotide variant.
Coding change: c.533A>G on transcript NM_001363118.2 (MANE Select); coding-DNA position 533, A replaced by G.
Protein change: p.Asn178Ser; replaces asparagine 178 with serine.
Molecular consequence: missense variant. On other transcripts: non-coding transcript variant (1), intron variant (1).
Genome position (GRCh38, 1-based): chr8:144,360,025, A>G. VCF-style: chr8-144360025-A-G. GRCh37 (hg19) VCF-style: chr8-145583685-A-G.
Other names: c.533A>G, p.Asn178Ser (NM_001253815.2, NM_001253816.2, NM_001363120.2 and 2 more transcripts); c.131-90A>G (NM_001363122.2); short protein forms N178S.
Identifiers: ClinVar variation 1047068 (VCV001047068.2), dbSNP rs782368351, ClinGen allele CA4938210.